The following is an entry in ClinVar:

ClinVar aggregate classification (germline): Uncertain significance (1 of 4 stars; one submission).

Conditions:
POLD1-related polyposis and colorectal cancer syndrome (CRCS10). Also called: COLORECTAL CANCER, SUSCEPTIBILITY TO, ON CHROMOSOME 19q; Colorectal cancer 10; Colorectal cancer, susceptibility to, 10. Identifiers: Orphanet 220460, MedGen C2675481, MONDO:0012953, OMIM 612591.

Submission:

Labcorp Genetics (formerly Invitae), Labcorp
Classification: Uncertain significance for POLD1-related polyposis and colorectal cancer syndrome. Last evaluated: 2025-07-29. Review status: criteria provided, single submitter. Criteria: Invitae Variant Classification Sherloc (09022015). Collection method: clinical testing. Allele origin: germline.
Comment: This sequence change creates a premature translational stop signal (p.Ala929Aspfs*28) in the POLD1 gene. Missense variants that disrupt the 3'-5' exonuclease (proof-reading) activity of the POLD1 protein are associated with PPAP (polymerase proofreading–associated polyposis) (PMID: 23263490, 23447401). However, loss-of-function variants that result in an absent or severely disrupted POLD1 protein, and missense variants outside the exonuclease domain, are unlikely to be associated with PPAP. This variant is not present in population databases (gnomAD no frequency). This variant has not been reported in the literature in individuals affected with POLD1-related conditions. In summary, the available evidence is currently insufficient to determine the role of this variant in disease. Therefore, it has been classified as a Variant of Uncertain Significance.

Literature cited by the submitters: PubMed 23263490; PubMed 23447401.

NM_002691.4(POLD1):c.2776_2785dup (p.Ala929fs)

Gene: POLD1 (DNA polymerase delta 1, catalytic subunit; plus strand). Cytogenetic location: 19q13.33.
Variant type: Duplication.
Coding change: c.2776_2785dup on transcript NM_002691.4 (MANE Select); coding-DNA positions 2776 to 2785, 10 bases duplicated (ATCATCAGTG; older notation c.2776_2785dupATCATCAGTG).
Protein change: p.Ala929fs; shifts the reading frame from alanine 929.
Molecular consequence: frameshift variant.
Genome position (GRCh38, 1-based): chr19:50,415,782-50,415,791, ATCATCAGTG duplicated; duplicating any 10 consecutive bases within chr19:50,415,779-50,415,791 gives the same sequence; the c. name uses the placement nearest the transcript's 3' end. VCF-style (leftmost placement, unchanged base first): chr19-50415778-C-CGTGATCATCA. GRCh37 (hg19) VCF-style: chr19-50919035-C-CGTGATCATCA.
Other names: c.2776_2785dup, p.Ala929fs (NM_001256849.1, NM_001438212.1, NM_001438213.1); c.2854_2863dup, p.Ala955fs (NM_001308632.1); c.2704_2713dup, p.Ala905fs (NM_001438210.1, NM_001438211.1); short protein forms A929fs, A905fs, A955fs.
Identifiers: ClinVar variation 4771228 (VCV004771228.1).
Genomic context (GRCh38, chr19:50,415,778, plus strand): 5'-ACGCAGGATGAGGAAGCGGGACCCCGGGAGTGCGCCCAGCCTGGGCGACCGCGTCCCCTA[C>CGTGATCATCA]GTGATCATCAGTGCCGCCAAGGGTGTGGCCGCCTACATGAAGTCGGAGGTCAGGCCCACC-3'